The following is an entry in ClinVar:

NM_005051.3(QARS1):c.1876G>C (p.Gly626Arg)

Gene: QARS1 (glutaminyl-tRNA synthetase 1; minus strand). Cytogenetic location: 3p21.31.
Variant type: single nucleotide variant.
Coding change: c.1876G>C on transcript NM_005051.3 (MANE Select); coding-DNA position 1876, G replaced by C.
Protein change: p.Gly626Arg; replaces glycine 626 with arginine.
Molecular consequence: missense variant. On other transcripts: non-coding transcript variant (1).
Genome position (GRCh38, 1-based): chr3:49,098,680, C>G on the plus strand (G>C on the coding strand, the complement: QARS1 is on the minus strand). VCF-style: chr3-49098680-C-G. GRCh37 (hg19) VCF-style: chr3-49136113-C-G.
Other names: c.1843G>C, p.Gly615Arg (NM_001272073.2); short protein forms G626R, G615R.
Identifiers: ClinVar variation 1425246 (VCV001425246.5), dbSNP rs758025209, ClinGen allele CA352700458.

ClinVar aggregate classification (germline): Uncertain significance (1 of 4 stars; one submission).

Conditions:
Diffuse cerebral and cerebellar atrophy - intractable seizures - progressive microcephaly syndrome. Also called: Microcephaly, progressive, with seizures and cerebral and cerebellar atrophy. Identifiers: Orphanet 404437, MedGen C4014239, MONDO:0014335, OMIM 615760.

Allele frequency attached by ClinVar (database versions not stated): gnomAD exomes below 0.00001; gnomAD 0.00001 and 0.00002; TOPMed 0.00002.
gnomAD v4.1: 6 of 1,597,988 alleles (0.00038%); highest among the groups gnomAD compares: African/African-American, 0.0081%; no homozygotes.

Submission:

Labcorp Genetics (formerly Invitae), Labcorp
Classification: Uncertain significance for Diffuse cerebral and cerebellar atrophy - intractable seizures - progressive microcephaly syndrome. Last evaluated: 2021-12-29. Review status: criteria provided, single submitter. Criteria: Invitae Variant Classification Sherloc (09022015). Collection method: clinical testing. Allele origin: germline.
Comment: This sequence change replaces glycine, which is neutral and non-polar, with arginine, which is basic and polar, at codon 626 of the QARS protein (p.Gly626Arg). This variant is present in population databases (no rsID available, gnomAD 0.007%). This variant has not been reported in the literature in individuals affected with QARS-related conditions. Algorithms developed to predict the effect of missense changes on protein structure and function are either unavailable or do not agree on the potential impact of this missense change (SIFT: "Deleterious"; PolyPhen-2: "Probably Damaging"; Align-GVGD: "Class C0"). In summary, the available evidence is currently insufficient to determine the role of this variant in disease. Therefore, it has been classified as a Variant of Uncertain Significance.